The following is an entry in ClinVar:

NM_152564.5(VPS13B):c.7922G>A (p.Arg2641His)

Gene: VPS13B (vacuolar protein sorting 13 homolog B; plus strand). Cytogenetic location: 8q22.2.
Variant type: single nucleotide variant.
Coding change: c.7922G>A on transcript NM_152564.5 (MANE Select); coding-DNA position 7922, G replaced by A.
Protein change: p.Arg2641His; replaces arginine 2641 with histidine.
Molecular consequence: missense variant.
Genome position (GRCh38, 1-based): chr8:99,784,457, G>A. VCF-style: chr8-99784457-G-A. GRCh37 (hg19) VCF-style: chr8-100796685-G-A.
Other names: c.7997G>A (NM_017890.3); c.7997G>A, p.Arg2666His (NM_017890.5); short protein forms R2641H.
Identifiers: ClinVar variation 95870 (VCV000095870.13), dbSNP rs398124338, ClinGen allele CA223495.

ClinVar aggregate classification (germline): Uncertain significance. Review status: criteria provided, multiple submitters, no conflicts (2 of 4 stars). 5 submissions from 5 submitters: Uncertain significance (5). Last evaluated 2025-11-06.

Conditions:
Inborn genetic diseases. Identifiers: MedGen C0950123, MeSH D030342.
Cohen syndrome (COH1). Also called: PEPPER SYNDROME; Cutis verticis gyrata, retinitis pigmentosa, and sensorineural deafness. Identifiers: Orphanet 193, MedGen C0265223, MONDO:0008999, OMIM 216550.

Allele frequency attached by ClinVar (database versions not stated): gnomAD exomes 0.00003 and 0.00002; ExAC 0.00003; TOPMed 0.00001; gnomAD 0.00002.
gnomAD v4.1: 33 of 1,613,498 alleles (0.002%); highest among the groups gnomAD compares: East Asian, 0.0045%; no homozygotes.

Submissions (5):

Ambry Genetics
Classification: Uncertain significance for Inborn genetic diseases. Last evaluated: 2025-11-06. Review status: criteria provided, single submitter. Criteria: Ambry Variant Classification Scheme 2023. Collection method: clinical testing. Allele origin: germline.

Labcorp Genetics (formerly Invitae), Labcorp
Classification: Uncertain significance for Cohen syndrome. Last evaluated: 2024-01-22. Review status: criteria provided, single submitter. Criteria: Invitae Variant Classification Sherloc (09022015). Collection method: clinical testing. Allele origin: germline.
Comment: This sequence change replaces arginine with histidine at codon 2666 of the VPS13B protein (p.Arg2666His). The arginine residue is moderately conserved and there is a small physicochemical difference between arginine and histidine. This variant is present in population databases (rs398124338, gnomAD 0.03%). This variant has not been reported in the literature in individuals affected with VPS13B-related conditions. ClinVar contains an entry for this variant (Variation ID: 95870). Advanced modeling of protein sequence and biophysical properties (such as structural, functional, and spatial information, amino acid conservation, physicochemical variation, residue mobility, and thermodynamic stability) performed at Invitae indicates that this missense variant is expected to disrupt VPS13B protein function with a positive predictive value of 80%. In summary, the available evidence is currently insufficient to determine the role of this variant in disease. Therefore, it has been classified as a Variant of Uncertain Significance.

GeneDx
Classification: Uncertain significance. Last evaluated: 2022-12-07. Review status: criteria provided, single submitter. Criteria: GeneDx Variant Classification Process June 2021. Collection method: clinical testing. Allele origin: germline. Affected: yes.
Comment: In silico analysis supports that this missense variant has a deleterious effect on protein structure/function; Has not been previously published as pathogenic or benign to our knowledge

Illumina Laboratory Services, Illumina
Classification: Uncertain significance for Cohen syndrome. Last evaluated: 2018-01-13. Review status: criteria provided, single submitter. Criteria: ICSL Variant Classification Criteria 13 December 2019. Collection method: clinical testing. Allele origin: germline.

Eurofins Ntd Llc (ga)
Classification: Uncertain significance. Last evaluated: 2012-12-04. Review status: criteria provided, single submitter. Criteria: EGL Classification Definitions 2015. Collection method: clinical testing. Allele origin: germline. Observed: 1 variant allele, 1 heterozygote.